The following is an entry in ClinVar:

ClinVar aggregate classification (germline): Benign/Likely benign. Review status: criteria provided, multiple submitters, no conflicts (2 of 4 stars). 3 submissions from 3 submitters: Benign (1); Likely benign (2). Last evaluated 2026-01-15.

Allele frequency attached by ClinVar (database versions not stated): gnomAD exomes 0.00152 and 0.00339; ExAC 0.00406; gnomAD 0.01193 and 0.01278; 1000 Genomes Project 0.01238; TOPMed 0.01370; 1000 Genomes Project 30x 0.01405; ESP Exome Variant Server 0.01500.
gnomAD v4.1: 4,105 of 1,611,902 alleles (0.25%); highest among the groups gnomAD compares: African/African-American, 4.1%; 68 homozygotes.

Submissions (3):

Labcorp Genetics (formerly Invitae), Labcorp
Classification: Benign. Last evaluated: 2026-01-15. Review status: criteria provided, single submitter. Criteria: Invitae Variant Classification Sherloc (09022015). Collection method: clinical testing. Allele origin: germline.

GeneDx
Classification: Likely benign. Last evaluated: 2022-12-20. Review status: criteria provided, single submitter. Criteria: GeneDx Variant Classification Process June 2021. Collection method: clinical testing. Allele origin: germline. Affected: yes.
Comment: See Variant Classification Assertion Criteria.

Breakthrough Genomics
Classification: Likely benign. Review status: criteria provided, single submitter. Criteria: ACMG Guidelines, 2015. Collection method: not provided. Allele origin: germline. Inheritance: Autosomal recessive inheritance. Affected: yes.

NM_014967.5(FAN1):c.1310A>G (p.Glu437Gly)

Gene: FAN1 (FANCD2 and FANCI associated nuclease 1; plus strand). Cytogenetic location: 15q13.3.
Variant type: single nucleotide variant.
Coding change: c.1310A>G on transcript NM_014967.5 (MANE Select); coding-DNA position 1310, A replaced by G.
Protein change: p.Glu437Gly; replaces glutamic acid 437 with glycine.
Molecular consequence: missense variant.
Genome position (GRCh38, 1-based): chr15:30,908,193, A>G. VCF-style: chr15-30908193-A-G. GRCh37 (hg19) VCF-style: chr15-31200396-A-G.
Other names: c.1310A>G, p.Glu437Gly (NM_001146094.2, NM_001146095.1, NM_001146096.2); short protein forms E437G.
Identifiers: ClinVar variation 711105 (VCV000711105.14), dbSNP rs79759675, ClinGen allele CA7450258.
Genomic context (GRCh38, chr15:30,908,193, plus strand): 5'-TATATGTAAGGCTCTTTCAACGTAAATTAAGCTGGATTAAGATGACCAAATTAGAGTATG[A>G]AGAGATTGCCTTAGACTTAACACCTGTGATTGAAGAATTGACGAATGCAGGCTTTCTACA-3'
Protein context (NP_055782.3, residues 427-447): SWIKMTKLEY[Glu437Gly]EIALDLTPVI